The following is an entry in ClinVar:

NM_032119.4(ADGRV1):c.11783A>G (p.Tyr3928Cys)

Gene: ADGRV1 (adhesion G protein-coupled receptor V1; plus strand). Cytogenetic location: 5q14.3.
Variant type: single nucleotide variant.
Coding change: c.11783A>G on transcript NM_032119.4 (MANE Select); coding-DNA position 11783, A replaced by G.
Protein change: p.Tyr3928Cys; replaces tyrosine 3928 with cysteine.
Molecular consequence: missense variant. On other transcripts: non-coding transcript variant (1).
Genome position (GRCh38, 1-based): chr5:90,757,004, A>G. VCF-style: chr5-90757004-A-G. GRCh37 (hg19) VCF-style: chr5-90052821-A-G.
Other names: short protein forms Y3928C.
Identifiers: ClinVar variation 969658 (VCV000969658.12), dbSNP rs1179343056, ClinGen allele CA360370905.

ClinVar aggregate classification (germline): Uncertain significance. Review status: criteria provided, multiple submitters, no conflicts (2 of 4 stars). 2 submissions from 2 submitters: Uncertain significance (2). Last evaluated 2026-01-12.

Conditions:
Hearing impairment. Also called: Impaired Hearing. Identifiers: MedGen C1384666, MONDO:0005365, HP:0000365.

Allele frequency attached by ClinVar (database versions not stated): gnomAD exomes below 0.00001 and 0.00001; gnomAD 0.00003; TOPMed 0.00003.
gnomAD v4.1: 14 of 1,611,774 alleles (0.00087%); highest among the groups gnomAD compares: South Asian, 0.0033%; no homozygotes.

Submissions (2):

Labcorp Genetics (formerly Invitae), Labcorp
Classification: Uncertain significance. Last evaluated: 2026-01-12. Review status: criteria provided, single submitter. Criteria: Invitae Variant Classification Sherloc (09022015). Collection method: clinical testing. Allele origin: germline.
Comment: This sequence change replaces tyrosine, which is neutral and polar, with cysteine, which is neutral and slightly polar, at codon 3928 of the ADGRV1 protein (p.Tyr3928Cys). This variant is not present in population databases (gnomAD no frequency). This variant has not been reported in the literature in individuals affected with ADGRV1-related conditions. ClinVar contains an entry for this variant (Variation ID: 969658). Invitae Evidence Modeling of protein sequence and biophysical properties (such as structural, functional, and spatial information, amino acid conservation, physicochemical variation, residue mobility, and thermodynamic stability) indicates that this missense variant is not expected to disrupt ADGRV1 protein function with a negative predictive value of 95%. In summary, the available evidence is currently insufficient to determine the role of this variant in disease. Therefore, it has been classified as a Variant of Uncertain Significance.

Department of Otolaryngology – Head & Neck Surgery, Cochlear Implant Center
Classification: Uncertain significance for Hearing impairment. Last evaluated: 2021-04-12. Review status: criteria provided, single submitter. Criteria: ClinGen HL ACMG Specifications v1. Collection method: clinical testing. Allele origin: germline. Affected: yes.
Comment: PM2_Moderate, BP4_Supporting